The following is an entry in ClinVar:

ClinVar aggregate classification (germline): Uncertain significance. Review status: criteria provided, multiple submitters, no conflicts (2 of 4 stars). 2 submissions from 2 submitters: Uncertain significance (2). Last evaluated 2026-06-16.

Conditions:
Leber congenital amaurosis 1 (LCA1). Also called: AMAUROSIS CONGENITA OF LEBER I; Congenital absence of the rods and cones; Leber's congenital tapetoretinal degeneration; Leber's congenital tapetoretinal dysplasia; RETINAL BLINDNESS, CONGENITAL. Identifiers: Orphanet 65, MedGen C2931258, MONDO:0008764, OMIM 204000.
Cone-rod dystrophy 6 (CORD6). Also called: Cone dystrophy progressive; RETINAL CONE DYSTROPHY 2. Identifiers: Orphanet 1872, MedGen C1866293, MONDO:0011143, OMIM 601777.

gnomAD v4.1: 1 of 1,607,410 alleles (0.000062%); highest among the groups gnomAD compares: Non-Finnish European, 0.000085%; no homozygotes.

Submissions (2):

Women's Health and Genetics/Laboratory Corporation of America, LabCorp
Classification: Uncertain significance. Last evaluated: 2026-06-16. Review status: criteria provided, single submitter. Criteria: LabCorp Variant Classification Summary - May 2015. Collection method: clinical testing. Allele origin: germline.
Comment: Variant summary: GUCY2D c.935C>G (p.Thr312Arg) results in a non-conservative amino acid change in the encoded protein sequence. Algorithms developed to predict the effect of missense changes on protein structure and function all suggest that this variant is likely to be disruptive. The variant was absent in 244316 control chromosomes. c.935C>G has been observed in an homozygous individual affected with GUCY2D-related conditions (Wang_2015). These data indicate that the variant may be associated with disease. To our knowledge, no experimental evidence demonstrating an impact on protein function has been reported. The following publication have been ascertained in the context of this evaluation (PMID: 26047050). ClinVar contains an entry for this variant (Variation ID: 1408633). Based on the evidence outlined above, the variant was classified as VUS-possibly pathogenic.

Labcorp Genetics (formerly Invitae), Labcorp
Classification: Uncertain significance for Leber congenital amaurosis 1; Cone-rod dystrophy 6. Last evaluated: 2021-07-30. Review status: criteria provided, single submitter. Criteria: Invitae Variant Classification Sherloc (09022015). Collection method: clinical testing. Allele origin: germline.
Comment: In summary, the available evidence is currently insufficient to determine the role of this variant in disease. Therefore, it has been classified as a Variant of Uncertain Significance. This variant disrupts the p.Thr312 amino acid residue in GUCY2D. Other variant(s) that disrupt this residue have been observed in individuals with GUCY2D-related conditions (PMID: 26047050), which suggests that this may be a clinically significant amino acid residue. Algorithms developed to predict the effect of sequence changes on RNA splicing suggest that this variant may create or strengthen a splice site. Algorithms developed to predict the effect of missense changes on protein structure and function (SIFT, PolyPhen-2, Align-GVGD) all suggest that this variant is likely to be disruptive. This missense change has been observed in individual(s) with Leber congenital amaurosis (PMID: 26047050). This variant is not present in population databases (ExAC no frequency). This sequence change replaces threonine with arginine at codon 312 of the GUCY2D protein (p.Thr312Arg). The threonine residue is highly conserved and there is a moderate physicochemical difference between threonine and arginine.

Literature cited by the submitters: PubMed 26047050 (cited by Women's Health and Genetics/Laboratory Corporation of America, LabCorp and Labcorp Genetics (formerly Invitae), Labcorp).

NM_000180.4(GUCY2D):c.935C>G (p.Thr312Arg)

Gene: GUCY2D (guanylate cyclase 2D, retinal; plus strand). Cytogenetic location: 17p13.1.
Variant type: single nucleotide variant.
Coding change: c.935C>G on transcript NM_000180.4 (MANE Select); coding-DNA position 935, C replaced by G.
Protein change: p.Thr312Arg; replaces threonine 312 with arginine.
Molecular consequence: missense variant.
Genome position (GRCh38, 1-based): chr17:8,004,065, C>G. VCF-style: chr17-8004065-C-G. GRCh37 (hg19) VCF-style: chr17-7907383-C-G.
Other names: short protein forms T312R.
Identifiers: ClinVar variation 1408633 (VCV001408633.8), dbSNP rs61749673, ClinGen allele CA397946022.